The following is an entry in ClinVar:

NM_001042492.3(NF1):c.7330A>G (p.Thr2444Ala)

Gene: NF1 (neurofibromin 1; plus strand). Cytogenetic location: 17q11.2.
Variant type: single nucleotide variant.
Coding change: c.7330A>G on transcript NM_001042492.3 (MANE Select); coding-DNA position 7330, A replaced by G.
Protein change: p.Thr2444Ala; replaces threonine 2444 with alanine.
Molecular consequence: missense variant.
Genome position (GRCh38, 1-based): chr17:31,350,191, A>G. VCF-style: chr17-31350191-A-G. GRCh37 (hg19) VCF-style: chr17-29677209-A-G.
Other names: c.7267A>G, p.Thr2423Ala (NM_000267.4); short protein forms T2423A, T2444A.
Identifiers: ClinVar variation 864360 (VCV000864360.9), dbSNP rs2070103253, ClinGen allele CA399016961.

ClinVar aggregate classification (germline): Uncertain significance. Review status: criteria provided, multiple submitters, no conflicts (2 of 4 stars). 2 submissions from 2 submitters: Uncertain significance (2). Last evaluated 2025-08-19.

Conditions:
Neurofibromatosis, type 1 (NF1). Also called: Neurofibromatosis, type I; VON RECKLINGHAUSEN DISEASE; Peripheral type neurofibromatosis; NEUROFIBROMATOSIS, TYPE I, SOMATIC. Identifiers: Orphanet 636, MedGen C0027831, MONDO:0018975, OMIM 162200. Disease mechanism: loss of function.
Hereditary cancer-predisposing syndrome. Also called: Tumor predisposition; Hereditary Cancer Syndrome; Neoplastic Syndromes, Hereditary; Hereditary neoplastic syndrome. Identifiers: Orphanet 140162, MedGen C0027672, MeSH D009386, MONDO:0015356.
Cardiovascular phenotype. Identifiers: MedGen CN230736.

Submissions (2):

Ambry Genetics
Classification: Uncertain significance for Cardiovascular phenotype; Hereditary cancer-predisposing syndrome. Last evaluated: 2025-08-19. Review status: criteria provided, single submitter. Criteria: Ambry Variant Classification Scheme 2023. Collection method: clinical testing. Allele origin: germline.
Comment: The p.T2423A variant (also known as c.7267A>G), located in coding exon 49 of the NF1 gene, results from an A to G substitution at nucleotide position 7267. The threonine at codon 2423 is replaced by alanine, an amino acid with similar properties. This amino acid position is conserved. In addition, the in silico prediction for this alteration is inconclusive. Based on the available evidence, the clinical significance of this variant remains unclear.

Labcorp Genetics (formerly Invitae), Labcorp
Classification: Uncertain significance for Neurofibromatosis, type 1. Last evaluated: 2019-12-16. Review status: criteria provided, single submitter. Criteria: Invitae Variant Classification Sherloc (09022015). Collection method: clinical testing. Allele origin: germline.
Comment: In summary, the available evidence is currently insufficient to determine the role of this variant in disease. Therefore, it has been classified as a Variant of Uncertain Significance. Algorithms developed to predict the effect of missense changes on protein structure and function (SIFT, PolyPhen-2, Align-GVGD) all suggest that this variant is likely to be tolerated, but these predictions have not been confirmed by published functional studies and their clinical significance is uncertain. This variant has not been reported in the literature in individuals with NF1-related conditions. This variant is not present in population databases (ExAC no frequency). This sequence change replaces threonine with alanine at codon 2423 of the NF1 protein (p.Thr2423Ala). The threonine residue is moderately conserved and there is a small physicochemical difference between threonine and alanine.